The following is an entry in ClinVar:

ClinVar aggregate classification (germline): Uncertain significance. Review status: criteria provided, multiple submitters, no conflicts (2 of 4 stars). 3 submissions from 3 submitters: Uncertain significance (3). Last evaluated 2025-06-06.

Conditions:
Primary ciliary dyskinesia. Also called: Ciliary dyskinesia. Identifiers: Orphanet 244, MedGen C0008780, MONDO:0016575, HP:0012265.

Allele frequency attached by ClinVar (database versions not stated): gnomAD exomes 0.00012; ExAC 0.00017; gnomAD 0.00052 and 0.00055; 1000 Genomes Project 0.00060; TOPMed 0.00066; ESP Exome Variant Server 0.00077; 1000 Genomes Project 30x 0.00109.
gnomAD v4.1: 159 of 1,613,684 alleles (0.0099%); highest among the groups gnomAD compares: African/African-American, 0.19%; 1 homozygote.

Submissions (3):

Ambry Genetics
Classification: Uncertain significance. Last evaluated: 2025-06-06. Review status: criteria provided, single submitter. Criteria: Ambry Variant Classification Scheme 2023. Collection method: clinical testing. Allele origin: germline.

Labcorp Genetics (formerly Invitae), Labcorp
Classification: Uncertain significance for Primary ciliary dyskinesia. Last evaluated: 2022-07-30. Review status: criteria provided, single submitter. Criteria: Invitae Variant Classification Sherloc (09022015). Collection method: clinical testing. Allele origin: germline.
Comment: This sequence change replaces serine, which is neutral and polar, with cysteine, which is neutral and slightly polar, at codon 717 of the DNAH8 protein (p.Ser717Cys). This variant is present in population databases (rs145798237, gnomAD 0.2%). This missense change has been observed in individuals with features of primary ciliary dyskinesia (Invitae). ClinVar contains an entry for this variant (Variation ID: 1500076). Algorithms developed to predict the effect of missense changes on protein structure and function are either unavailable or do not agree on the potential impact of this missense change (SIFT: "Tolerated"; PolyPhen-2: "Not Available"; Align-GVGD: "Class C0"). In summary, the available evidence is currently insufficient to determine the role of this variant in disease. Therefore, it has been classified as a Variant of Uncertain Significance.

GeneDx
Classification: Uncertain significance. Last evaluated: 2022-04-20. Review status: criteria provided, single submitter. Criteria: GeneDx Variant Classification Process June 2021. Collection method: clinical testing. Allele origin: germline. Affected: yes.
Comment: In silico analysis supports that this missense variant has a deleterious effect on protein structure/function; Has not been previously published as pathogenic or benign to our knowledge

NM_001206927.2(DNAH8):c.2150C>G (p.Ser717Cys)

Gene: DNAH8 (dynein axonemal heavy chain 8; plus strand). Cytogenetic location: 6p21.2.
Variant type: single nucleotide variant.
Coding change: c.2150C>G on transcript NM_001206927.2 (MANE Select); coding-DNA position 2150, C replaced by G.
Protein change: p.Ser717Cys; replaces serine 717 with cysteine.
Molecular consequence: missense variant.
Genome position (GRCh38, 1-based): chr6:38,781,264, C>G. VCF-style: chr6-38781264-C-G. GRCh37 (hg19) VCF-style: chr6-38749040-C-G.
Other names: c.1499C>G, p.Ser500Cys (NM_001371.4); short protein forms S500C, S717C.
Identifiers: ClinVar variation 1500076 (VCV001500076.6), dbSNP rs145798237, ClinGen allele CA3788433.
Genomic context (GRCh38, chr6:38,781,264, plus strand): 5'-CTTCTCCCTTGTATTGAATTCAAACATTAACATCAGATTTTTAATTACAGCTTTATCATT[C>G]TCAGAAAGATGACCCCCCTCTTGCTCGCAACATGCCCCCTATAGCAGGAAAAATACTCTG-3'
Protein context (NP_001193856.1, residues 707-727): ELDATKKLYH[Ser717Cys]QKDDPPLARN